The following is an entry in ClinVar:

ClinVar aggregate classification (germline): Uncertain significance (1 of 4 stars; one submission).

Submission:

GeneDx
Classification: Uncertain significance. Last evaluated: 2023-03-08. Review status: criteria provided, single submitter. Criteria: GeneDx Variant Classification Process June 2021. Collection method: clinical testing. Allele origin: germline. Affected: yes.
Comment: In-frame insertion of 2 amino acids in a non-repeat region; Not observed at significant frequency in large population cohorts (gnomAD); Has not been previously published as pathogenic or benign to our knowledge

NM_001009944.3(PKD1):c.8305_8310dup (p.Asn2770_Glu2771insLeuAsn)

Gene: PKD1 (polycystin 1, transient receptor potential channel interacting; minus strand). Cytogenetic location: 16p13.3.
Variant type: Duplication.
Coding change: c.8305_8310dup on transcript NM_001009944.3 (MANE Select); coding-DNA positions 8305 to 8310, 6 bases duplicated (CTCAAC; older notation c.8305_8310dupCTCAAC).
Protein change: p.Asn2770_Glu2771insLeuAsn.
Molecular consequence: inframe insertion.
Genome position (GRCh38, 1-based): chr16:2,103,747-2,103,752, GTTGAG duplicated on the plus strand (CTCAAC on the coding strand, the reverse complement: PKD1 is on the minus strand). VCF-style (leftmost placement, unchanged base first): chr16-2103746-C-CGTTGAG. GRCh37 (hg19) VCF-style: chr16-2153747-C-CGTTGAG.
Other names: c.8305_8310dup, p.Asn2770_Glu2771insLeuAsn (NM_000296.4).
Identifiers: ClinVar variation 2579507 (VCV002579507.1), dbSNP rs2544745787, ClinGen allele CA2573335038.
Genomic context (GRCh38, chr16:2,103,746, plus strand): 5'-GCGGGTCCGAGCGCTTGCCCTGGGCCACGATCTCCTCGCCCGCCAGCGTCAGGGGCTCCT[C>CGTTGAG]GTTGAGCACGCGGGAGCGCATGAGGATGCGCATGAGGGCAGAGGTCAGGTTGTAGGCCTG-3'